The following is an entry in ClinVar:

NM_000222.3(KIT):c.2863G>T (p.Val955Leu)

Gene: KIT (KIT proto-oncogene, receptor tyrosine kinase; plus strand). Cytogenetic location: 4q12.
Variant type: single nucleotide variant.
Coding change: c.2863G>T on transcript NM_000222.3 (MANE Select); coding-DNA position 2863, G replaced by T.
Protein change: p.Val955Leu; replaces valine 955 with leucine.
Molecular consequence: missense variant.
Genome position (GRCh38, 1-based): chr4:54,738,489, G>T. VCF-style: chr4-54738489-G-T. GRCh37 (hg19) VCF-style: chr4-55604655-G-T.
Other names: c.2848G>T, p.Val950Leu (NM_001385286.1); c.2854G>T, p.Val952Leu (NM_001385288.1); c.2863G>T, p.Val955Leu (NM_001385290.1); c.2851G>T, p.Val951Leu (NM_001385292.1, NM_001093772.2); c.2866G>T, p.Val956Leu (NM_001385284.1); c.2860G>T, p.Val954Leu (NM_001385285.1); short protein forms V955L, V951L, V950L, V952L, V954L, V956L.
Identifiers: ClinVar variation 409783 (VCV000409783.15), dbSNP rs1060502568, ClinGen allele CA16611618.

ClinVar aggregate classification (germline): Uncertain significance. Review status: criteria provided, multiple submitters, no conflicts (2 of 4 stars). 5 submissions from 5 submitters: Uncertain significance (5). Last evaluated 2025-12-01.

Conditions:
Hereditary cancer-predisposing syndrome. Also called: Hereditary Cancer Syndrome; Tumor predisposition; Neoplastic Syndromes, Hereditary; Hereditary neoplastic syndrome. Identifiers: Orphanet 140162, MedGen C0027672, MeSH D009386, MONDO:0015356.
Piebaldism. Also called: Piebald skin depigmentation. Identifiers: Orphanet 2884, MedGen C0080024, MONDO:0008244, OMIM 172800, HP:0007544.
Gastrointestinal stromal tumor. Also called: Gastrointestinal stromal tumor, somatic; Gastrointestinal stroma tumor. Identifiers: Orphanet 44890, MedGen C0238198, MeSH D046152, MONDO:0011719, OMIM 606764, HP:0100723.
Acute myeloid leukemia (AML). Also called: Leukemia, acute myeloid, somatic; Leukemia, acute myelogenous, somatic; Acute myeloid leukemia, adult; AML adult; Acute non-lymphocytic leukemia; Acute granulocytic leukemia. Identifiers: Orphanet 519, MedGen C0023467, MeSH D015470, MONDO:0018874, OMIM 601626, HP:0004808. Disease mechanism: Constitutively activated FLT3.
Malignant tumor of testis. Also called: Testicular cancer. Identifiers: MedGen C0153594, MONDO:0005447.
Mastocytosis. Also called: Mast Cell Disease. Identifiers: Orphanet 98292, MedGen C0024899, MONDO:0007950, HP:0100495.

Allele frequency attached by ClinVar (database versions not stated): gnomAD exomes below 0.00001; TOPMed below 0.00001; gnomAD 0.00001.
gnomAD v4.1: 7 of 1,613,990 alleles (0.00043%); highest among the groups gnomAD compares: Non-Finnish European, 0.00059%; no homozygotes.

Submissions (5):

Labcorp Genetics (formerly Invitae), Labcorp
Classification: Uncertain significance for Gastrointestinal stromal tumor. Last evaluated: 2025-12-01. Review status: criteria provided, single submitter. Criteria: Invitae Variant Classification Sherloc (09022015). Collection method: clinical testing. Allele origin: germline.
Comment: This sequence change replaces valine, which is neutral and non-polar, with leucine, which is neutral and non-polar, at codon 955 of the KIT protein (p.Val955Leu). This variant is not present in population databases (gnomAD no frequency). This variant has not been reported in the literature in individuals affected with KIT-related conditions. ClinVar contains an entry for this variant (Variation ID: 409783). An algorithm developed to predict the effect of missense changes on protein structure and function (PolyPhen-2) suggests that this variant is likely to be disruptive. In summary, the available evidence is currently insufficient to determine the role of this variant in disease. Therefore, it has been classified as a Variant of Uncertain Significance.

Blueprint Genetics
Classification: Uncertain significance. Last evaluated: 2024-10-16. Review status: criteria provided, single submitter. Criteria: ACMG Guidelines, 2015. Collection method: clinical testing. Allele origin: germline.

Ambry Genetics
Classification: Uncertain significance for Hereditary cancer-predisposing syndrome. Last evaluated: 2023-11-08. Review status: criteria provided, single submitter. Criteria: Ambry Variant Classification Scheme 2023. Collection method: clinical testing. Allele origin: germline.
Comment: The p.V955L variant (also known as c.2863G>T), located in coding exon 21 of the KIT gene, results from a G to T substitution at nucleotide position 2863. The valine at codon 955 is replaced by leucine, an amino acid with highly similar properties. This amino acid position is conserved. In addition, this alteration is predicted to be tolerated by in silico analysis. Since supporting evidence is limited at this time, the clinical significance of this alteration remains unclear.

Baylor Genetics
Classification: Uncertain significance for Gastrointestinal stromal tumor. Last evaluated: 2023-08-29. Review status: criteria provided, single submitter. Criteria: ACMG Guidelines, 2015. Collection method: clinical testing. Allele origin: unknown.

Fulgent Genetics
Classification: Uncertain significance for Cutaneous mastocytosis; Piebaldism; Germ cell tumor of testis; Acute myeloid leukemia; Gastrointestinal stromal tumor. Last evaluated: 2018-10-31. Review status: criteria provided, single submitter. Criteria: ACMG Guidelines, 2015. Collection method: clinical testing. Allele origin: unknown.